The following is an entry in ClinVar:

NM_022455.5(NSD1):c.692C>T (p.Pro231Leu)

Gene: NSD1 (nuclear receptor binding SET domain protein 1; plus strand). Cytogenetic location: 5q35.3.
Variant type: single nucleotide variant.
Coding change: c.692C>T on transcript NM_022455.5 (MANE Select); coding-DNA position 692, C replaced by T.
Protein change: p.Pro231Leu; replaces proline 231 with leucine.
Molecular consequence: missense variant. On other transcripts: intron variant (8).
Genome position (GRCh38, 1-based): chr5:177,135,795, C>T. VCF-style: chr5-177135795-C-T. GRCh37 (hg19) VCF-style: chr5-176562796-C-T.
Other names: c.692C>T, p.Pro231Leu (NM_001409301.1, NM_001409302.1, NM_001409303.1); c.418-146C>T (NM_001409304.1); c.-36-146C>T (NM_001409305.1, NM_001409306.1, NM_001409308.1 and 4 more transcripts); short protein forms P231L.
Identifiers: ClinVar variation 3359265 (VCV003359265.1).

ClinVar aggregate classification (germline): Uncertain significance (1 of 4 stars; one submission).

gnomAD v4.1: 9 of 1,611,766 alleles (0.00056%); highest among the groups gnomAD compares: East Asian, 0.0022%; no homozygotes.

Submission:

GeneDx
Classification: Uncertain significance. Last evaluated: 2023-05-25. Review status: criteria provided, single submitter. Criteria: GeneDx Variant Classification Process June 2021. Collection method: clinical testing. Allele origin: germline. Affected: yes.
Comment: Not observed at significant frequency in large population cohorts (gnomAD); In silico analysis supports that this missense variant does not alter protein structure/function; Has not been previously published as pathogenic or benign to our knowledge